The following is an entry in ClinVar:

NM_004380.3(CREBBP):c.3977del (p.Ala1326fs)

Gene: CREBBP (CREB binding lysine acetyltransferase; minus strand). Cytogenetic location: 16p13.3.
Variant type: Deletion.
Coding change: c.3977del on transcript NM_004380.3 (MANE Select); coding-DNA position 3977, one base deleted (C; older notation c.3977delC).
Protein change: p.Ala1326fs; shifts the reading frame from alanine 1326.
Molecular consequence: frameshift variant.
Genome position (GRCh38, 1-based): chr16:3,744,899, G deleted on the plus strand (C on the coding strand, the reverse complement: CREBBP is on the minus strand). VCF-style (leftmost placement, unchanged base first): chr16-3744898-AG-A. GRCh37 (hg19) VCF-style: chr16-3794899-AG-A.
Other names: c.3977delC (NM_004380.2); c.3863del, p.Ala1288fs (NM_001079846.1); short protein forms A1288fs, A1326fs.
Identifiers: ClinVar variation 566424 (VCV000566424.8), dbSNP rs1567276741, ClinGen allele CA891843784.

ClinVar aggregate classification (germline): Pathogenic (1 of 4 stars; one submission).

Conditions:
Rubinstein-Taybi syndrome (RSTS). Identifiers: Orphanet 783, MedGen C0035934, MONDO:0019188.

Submission:

Labcorp Genetics (formerly Invitae), Labcorp
Classification: Pathogenic for Rubinstein-Taybi syndrome. Last evaluated: 2018-01-06. Review status: criteria provided, single submitter. Criteria: Invitae Variant Classification Sherloc (09022015). Collection method: clinical testing. Allele origin: germline.
Comment: This sequence change creates a premature translational stop signal (p.Ala1326Valfs*17) in the CREBBP gene. It is expected to result in an absent or disrupted protein product. For these reasons, this variant has been classified as Pathogenic. Loss-of-function variants in CREBBP are known to be pathogenic (PMID: 17052327, 18792986). This variant has not been reported in the literature in individuals with CREBBP-related disease. This variant is not present in population databases (ExAC no frequency).

Literature cited by the submitters: PubMed 17052327; PubMed 18792986.